The following is an entry in ClinVar:

NM_004218.4(RAB11B):c.269T>G (p.Val90Gly)

Gene: RAB11B (RAB11B, member RAS oncogene family; plus strand). Cytogenetic location: 19p13.2.
Variant type: single nucleotide variant.
Coding change: c.269T>G on transcript NM_004218.4 (MANE Select); coding-DNA position 269, T replaced by G.
Protein change: p.Val90Gly; replaces valine 90 with glycine.
Molecular consequence: missense variant.
Genome position (GRCh38, 1-based): chr19:8,402,118, T>G. VCF-style: chr19-8402118-T-G. GRCh37 (hg19) VCF-style: chr19-8467002-T-G.
Other names: short protein forms V90G.
Identifiers: ClinVar variation 3602811 (VCV003602811.2).

ClinVar aggregate classification (germline): Uncertain significance (1 of 4 stars; one submission).

Submission:

GeneDx
Classification: Uncertain significance. Last evaluated: 2025-04-07. Review status: criteria provided, single submitter. Criteria: GeneDx Variant Classification Process June 2021. Collection method: clinical testing. Allele origin: germline.
Comment: Not observed at significant frequency in large population cohorts (gnomAD); In silico analysis supports that this missense variant has a deleterious effect on protein structure/function; Has not been previously published as pathogenic or benign to our knowledge